The following is an entry in ClinVar:

NM_004612.4(TGFBR1):c.56C>T (p.Ala19Val)

Gene: TGFBR1 (transforming growth factor beta receptor 1; plus strand). Cytogenetic location: 9q22.33.
Variant type: single nucleotide variant.
Coding change: c.56C>T on transcript NM_004612.4 (MANE Select); coding-DNA position 56, C replaced by T.
Protein change: p.Ala19Val; replaces alanine 19 with valine.
Molecular consequence: missense variant.
Genome position (GRCh38, 1-based): chr9:99,105,261, C>T. VCF-style: chr9-99105261-C-T. GRCh37 (hg19) VCF-style: chr9-101867543-C-T.
Other names: c.56C>T, p.Ala19Val (NM_001130916.3, NM_001306210.2); c.56C>T (NM_004612.2); short protein forms A19V.
Identifiers: ClinVar variation 1416414 (VCV001416414.7), dbSNP rs1217107691, ClinGen allele CA374223613.
Genomic context (GRCh38, chr9:99,105,261, plus strand): 5'-GGACCATGGAGGCGGCGGTCGCTGCTCCGCGTCCCCGGCTGCTCCTCCTCGTGCTGGCGG[C>T]GGCGGCGGCGGCGGCGGCGGCGCTGCTCCCGGGGGCGACGGGTGAGCGGCGGCGCGGCGG-3'
Protein context (NP_004603.1, residues 9-29): RPRLLLLVLA[Ala19Val]AAAAAAALLP

ClinVar aggregate classification (germline): Uncertain significance. Review status: criteria provided, multiple submitters, no conflicts (2 of 4 stars). 2 submissions from 2 submitters: Uncertain significance (2). Last evaluated 2025-04-23.

Conditions:
Familial thoracic aortic aneurysm and aortic dissection (TAAD). Also called: Thoracic aortic aneurysms and dissections. Identifiers: Orphanet 91387, MedGen C4707243, MONDO:0019625.

Allele frequency attached by ClinVar (database versions not stated): gnomAD 0.00003.

Submissions (2):

Ambry Genetics
Classification: Uncertain significance for Familial thoracic aortic aneurysm and aortic dissection. Last evaluated: 2025-04-23. Review status: criteria provided, single submitter. Criteria: Ambry Variant Classification Scheme 2023. Collection method: clinical testing. Allele origin: germline.
Comment: The p.A19V variant (also known as c.56C>T), located in coding exon 1 of the TGFBR1 gene, results from a C to T substitution at nucleotide position 56. The alanine at codon 19 is replaced by valine, an amino acid with similar properties. This amino acid position is conserved. In addition, this alteration is predicted to be tolerated by in silico analysis. Based on the available evidence, the clinical significance of this variant remains unclear.

Labcorp Genetics (formerly Invitae), Labcorp
Classification: Uncertain significance for Familial thoracic aortic aneurysm and aortic dissection. Last evaluated: 2024-05-13. Review status: criteria provided, single submitter. Criteria: Invitae Variant Classification Sherloc (09022015). Collection method: clinical testing. Allele origin: germline.
Comment: This sequence change replaces alanine, which is neutral and non-polar, with valine, which is neutral and non-polar, at codon 19 of the TGFBR1 protein (p.Ala19Val). The frequency data for this variant in the population databases is considered unreliable, as metrics indicate poor data quality at this position in the gnomAD database. This variant has not been reported in the literature in individuals affected with TGFBR1-related conditions. ClinVar contains an entry for this variant (Variation ID: 1416414). Advanced modeling of protein sequence and biophysical properties (such as structural, functional, and spatial information, amino acid conservation, physicochemical variation, residue mobility, and thermodynamic stability) performed at Invitae indicates that this missense variant is not expected to disrupt TGFBR1 protein function with a negative predictive value of 95%. In summary, the available evidence is currently insufficient to determine the role of this variant in disease. Therefore, it has been classified as a Variant of Uncertain Significance.